The following is an entry in ClinVar:

ClinVar aggregate classification (germline): Benign/Likely benign. Review status: criteria provided, multiple submitters, no conflicts (2 of 4 stars). 4 submissions from 4 submitters: Benign (1); Likely benign (3). Last evaluated 2026-01-28.

Conditions:
Primary ciliary dyskinesia. Also called: Ciliary dyskinesia. Identifiers: Orphanet 244, MedGen C0008780, MONDO:0016575, HP:0012265.
RPGR-related disorder. Also called: RPGR-related condition.

Allele frequency attached by ClinVar (database versions not stated): gnomAD exomes 0.00006 and 0.00002; TOPMed 0.00025; ExAC 0.00009; gnomAD 0.00031 and 0.00028.

Submissions (4):

Labcorp Genetics (formerly Invitae), Labcorp
Classification: Benign for Primary ciliary dyskinesia. Last evaluated: 2026-01-28. Review status: criteria provided, single submitter. Criteria: Invitae Variant Classification Sherloc (09022015). Collection method: clinical testing. Allele origin: germline.

PreventionGenetics, part of Exact Sciences
Classification: Likely benign for RPGR-related condition. Last evaluated: 2025-04-23. Review status: criteria provided, single submitter. Criteria: ACMG Guidelines, 2015. Collection method: clinical testing. Allele origin: germline.
Comment: This variant is classified as likely benign based on ACMG/AMP sequence variant interpretation guidelines (Richards et al. 2015 PMID: 25741868, with internal and published modifications).

Ambry Genetics
Classification: Likely benign for Primary ciliary dyskinesia. Last evaluated: 2023-11-22. Review status: criteria provided, single submitter. Criteria: Ambry Variant Classification Scheme 2023. Collection method: clinical testing. Allele origin: germline.

Blueprint Genetics
Classification: Likely benign. Last evaluated: 2021-10-18. Review status: criteria provided, single submitter. Criteria: ACMG Guidelines, 2015. Collection method: clinical testing. Allele origin: germline.

NM_000328.3(RPGR):c.1906G>T (p.Asp636Tyr)

Gene: RPGR (retinitis pigmentosa GTPase regulator; minus strand). Cytogenetic location: Xp11.4.
Variant type: single nucleotide variant.
Coding change: c.1906G>T on transcript NM_000328.3; coding-DNA position 1906, G replaced by T.
Protein change: p.Asp636Tyr; replaces aspartic acid 636 with tyrosine.
Molecular consequence: missense variant. On other transcripts: non-coding transcript variant (6).
Genome position (GRCh38, 1-based): chrX:38,276,772, C>A on the plus strand (G>T on the coding strand, the complement: RPGR is on the minus strand). VCF-style: chrX-38276772-C-A. GRCh37 (hg19) VCF-style: chrX-38136025-C-A.
Other names: c.1903G>T, p.Asp635Tyr (NM_001367245.1); c.1720G>T, p.Asp574Tyr (NM_001367246.1); c.1573G>T, p.Asp525Tyr (NM_001367247.1); c.1603G>T, p.Asp535Tyr (NM_001367248.1); c.1570G>T, p.Asp524Tyr (NM_001367249.1, NM_001367250.1); c.1387G>T, p.Asp463Tyr (NM_001367251.1); short protein forms D463Y, D524Y, D525Y, D535Y, D574Y, D635Y, D636Y.
Identifiers: ClinVar variation 1168613 (VCV001168613.12), dbSNP rs770101727, ClinGen allele CA10385122.